The following is an entry in ClinVar:

NM_016343.4(CENPF):c.6871C>T (p.Pro2291Ser)

Gene: CENPF (centromere protein F; plus strand). Cytogenetic location: 1q41.
Variant type: single nucleotide variant.
Coding change: c.6871C>T on transcript NM_016343.4 (MANE Select); coding-DNA position 6871, C replaced by T.
Protein change: p.Pro2291Ser; replaces proline 2291 with serine.
Molecular consequence: missense variant.
Genome position (GRCh38, 1-based): chr1:214,646,441, C>T. VCF-style: chr1-214646441-C-T. GRCh37 (hg19) VCF-style: chr1-214819784-C-T.
Other names: short protein forms P2291S.
Identifiers: ClinVar variation 3142347 (VCV003142347.9), dbSNP rs941349850, ClinGen allele CA37369635.
Genomic context (GRCh38, chr1:214,646,441, plus strand): 5'-GCAGTAGCAGCCTTGTGTGGTGACCAAGAAATTATGAAGGCCACAGAACAGAGTCTAGAC[C>T]CACCAATAGAGGAAGAGCATCAGCTGAGAAATAGCATTGAAAAGCTGAGAGCCCGCCTAG-3'
Protein context (NP_057427.3, residues 2281-2301): IMKATEQSLD[Pro2291Ser]PIEEEHQLRN

ClinVar aggregate classification (germline): Conflicting classifications of pathogenicity. Review status: criteria provided, conflicting classifications (1 of 4 stars). 2 submissions from 2 submitters: Uncertain significance (1); Likely benign (1). Last evaluated 2025-08-01.

Conditions:
Inborn genetic diseases. Identifiers: MedGen C0950123, MeSH D030342.

Allele frequency attached by ClinVar (database versions not stated): gnomAD exomes 0.00002; TOPMed 0.00003.
gnomAD v4.1: 22 of 1,613,884 alleles (0.0014%); highest among the groups gnomAD compares: Non-Finnish European, 0.0019%; no homozygotes.

Submissions (2):

CeGaT Center for Human Genetics Tuebingen
Classification: Uncertain significance. Last evaluated: 2025-08-01. Review status: criteria provided, single submitter. Criteria: CeGaT Center For Human Genetics Tuebingen Variant Classification Criteria Version 2. Collection method: clinical testing. Allele origin: germline. Affected: yes. Observed: 1 variant allele.
Comment: CENPF: PM2, BP1, BP4

Ambry Genetics
Classification: Likely benign for Inborn genetic diseases. Last evaluated: 2023-12-30. Review status: criteria provided, single submitter. Criteria: Ambry Variant Classification Scheme 2023. Collection method: clinical testing. Allele origin: germline.